The following is an entry in ClinVar:

ClinVar aggregate classification (germline): Uncertain significance. Review status: criteria provided, multiple submitters, no conflicts (2 of 4 stars). 2 submissions from 2 submitters: Uncertain significance (2). Last evaluated 2025-04-18.

Conditions:
Microcephalic primordial dwarfism due to ZNF335 deficiency. Also called: Primary autosomal recessive microcephaly 10. Identifiers: Orphanet 329228, MedGen C3554499, MONDO:0014043, OMIM 615095.
Inborn genetic diseases. Identifiers: MedGen C0950123, MeSH D030342.

Submissions (2):

Ambry Genetics
Classification: Uncertain significance for Inborn genetic diseases. Last evaluated: 2025-04-18. Review status: criteria provided, single submitter. Criteria: Ambry Variant Classification Scheme 2023. Collection method: clinical testing. Allele origin: germline.

Laboratory of Functional Genomics, Research Centre for Medical Genetics
Classification: Uncertain significance for Microcephalic primordial dwarfism due to ZNF335 deficiency. Review status: criteria provided, single submitter. Criteria: ACMG Guidelines, 2015. Collection method: clinical testing. Allele origin: germline. Inheritance: Autosomal recessive inheritance. Affected: yes and no. Observed: 2 heterozygotes, 1 homozygote.
Comment: Pathogenic variants in the ZNF335 gene have been described for patients with primary microcephaly 10, but criteria are insufficient, so according to ACMG the variant meets the criteria PM2, PP3 and is concidered a variant of uncertain significance.

NM_022095.4(ZNF335):c.3206A>G (p.His1069Arg)

Gene: ZNF335 (zinc finger protein 335; minus strand). Cytogenetic location: 20q13.12.
Variant type: single nucleotide variant.
Coding change: c.3206A>G on transcript NM_022095.4 (MANE Select); coding-DNA position 3206, A replaced by G.
Protein change: p.His1069Arg; replaces histidine 1069 with arginine.
Molecular consequence: missense variant.
Genome position (GRCh38, 1-based): chr20:45,950,579, T>C on the plus strand (A>G on the coding strand, the complement: ZNF335 is on the minus strand). VCF-style: chr20-45950579-T-C. GRCh37 (hg19) VCF-style: chr20-44579218-T-C.
Other names: chr20:44579218T>C; short protein forms H1069R.
Identifiers: ClinVar variation 2429737 (VCV002429737.3), dbSNP rs2515526371, ClinGen allele CA409236999.